The following is an entry in ClinVar:

NM_019594.4(LRRC8A):c.844A>G (p.Thr282Ala)

Gene: LRRC8A (leucine rich repeat containing 8 VRAC subunit A; plus strand). Cytogenetic location: 9q34.11.
Variant type: single nucleotide variant.
Coding change: c.844A>G on transcript NM_019594.4 (MANE Select); coding-DNA position 844, A replaced by G.
Protein change: p.Thr282Ala; replaces threonine 282 with alanine.
Molecular consequence: missense variant.
Genome position (GRCh38, 1-based): chr9:128,908,008, A>G. VCF-style: chr9-128908008-A-G. GRCh37 (hg19) VCF-style: chr9-131670287-A-G.
Other names: c.844A>G, p.Thr282Ala (NM_001127244.2, NM_001127245.2); short protein forms T282A.
Identifiers: ClinVar variation 2034420 (VCV002034420.4), dbSNP rs565708221, ClinGen allele CA5270779.

ClinVar aggregate classification (germline): Uncertain significance (1 of 4 stars; one submission).

Allele frequency attached by ClinVar (database versions not stated): gnomAD exomes below 0.00001; TOPMed below 0.00001; ExAC 0.00001; gnomAD 0.00001; 1000 Genomes Project 30x 0.00016; 1000 Genomes Project 0.00020.
gnomAD v4.1: 3 of 1,614,050 alleles (0.00019%); highest among the groups gnomAD compares: Middle Eastern, 0.016%; no homozygotes.

Submission:

Labcorp Genetics (formerly Invitae), Labcorp
Classification: Uncertain significance. Last evaluated: 2022-05-02. Review status: criteria provided, single submitter. Criteria: Invitae Variant Classification Sherloc (09022015). Collection method: clinical testing. Allele origin: germline.
Comment: In summary, the available evidence is currently insufficient to determine the role of this variant in disease. Therefore, it has been classified as a Variant of Uncertain Significance. Algorithms developed to predict the effect of missense changes on protein structure and function are either unavailable or do not agree on the potential impact of this missense change (SIFT: "Deleterious"; PolyPhen-2: "Benign"; Align-GVGD: "Class C55"). This variant has not been reported in the literature in individuals affected with LRRC8A-related conditions. This variant is present in population databases (rs565708221, gnomAD 0.007%). This sequence change replaces threonine, which is neutral and polar, with alanine, which is neutral and non-polar, at codon 282 of the LRRC8A protein (p.Thr282Ala).